The following is an entry in ClinVar:

ClinVar aggregate classification (germline): Likely pathogenic (1 of 4 stars; one submission).

Submission:

Labcorp Genetics (formerly Invitae), Labcorp
Classification: Likely pathogenic. Last evaluated: 2021-06-19. Review status: criteria provided, single submitter. Criteria: Invitae Variant Classification Sherloc (09022015). Collection method: clinical testing. Allele origin: germline.
Comment: In summary, the currently available evidence indicates that the variant is pathogenic, but additional data are needed to prove that conclusively. Therefore, this variant has been classified as Likely Pathogenic. Algorithms developed to predict the effect of sequence changes on RNA splicing suggest that this variant may disrupt the consensus splice site, but this prediction has not been confirmed by published transcriptional studies. This variant has been observed in individual(s) with clinical features of Usher syndrome (Invitae). This variant is not present in population databases (ExAC no frequency). This sequence change affects an acceptor splice site in intron 57 of the CDH23 gene. It is expected to disrupt RNA splicing. Variants that disrupt the donor or acceptor splice site typically lead to a loss of protein function (PMID: 16199547), and loss-of-function variants in CDH23 are known to be pathogenic (PMID: 11138009, 21940737).

Literature cited by the submitters: PubMed 16199547; PubMed 11138009; PubMed 21940737.

NM_022124.6(CDH23):c.8179-1G>A

Gene: CDH23 (cadherin related 23; plus strand). Cytogenetic location: 10q22.1.
Variant type: single nucleotide variant.
Coding change: c.8179-1G>A on transcript NM_022124.6 (MANE Select); the canonical splice acceptor site of the intron before coding-DNA position 8179, G replaced by A.
Molecular consequence: splice acceptor variant.
Genome position (GRCh38, 1-based): chr10:71,807,276, G>A. VCF-style: chr10-71807276-G-A. GRCh37 (hg19) VCF-style: chr10-73567033-G-A.
Other names: c.1459-1G>A (NM_001171933.1, NM_001171934.1).
Identifiers: ClinVar variation 1482592 (VCV001482592.6), dbSNP rs2132987509, ClinGen allele CA377130760.